The following is an entry in ClinVar:

ClinVar aggregate classification (germline): Likely pathogenic (1 of 4 stars; one submission).

Conditions:
Developmental and epileptic encephalopathy 94 (DEE94). Also called: CHD2-Related Neurodevelopmental Disorders; Epileptic encephalopathy, childhood-onset. Identifiers: Orphanet 1942, Orphanet 2382, MedGen C3809278, MONDO:0014150, OMIM 615369.

Submission:

Labcorp Genetics (formerly Invitae), Labcorp
Classification: Likely pathogenic for Developmental and epileptic encephalopathy 94. Last evaluated: 2024-01-19. Review status: criteria provided, single submitter. Criteria: Invitae Variant Classification Sherloc (09022015). Collection method: clinical testing. Allele origin: germline.
Comment: This sequence change replaces tryptophan, which is neutral and slightly polar, with arginine, which is basic and polar, at codon 1534 of the CHD2 protein (p.Trp1534Arg). This variant is not present in population databases (gnomAD no frequency). This variant has not been reported in the literature in individuals affected with CHD2-related conditions. Advanced modeling of protein sequence and biophysical properties (such as structural, functional, and spatial information, amino acid conservation, physicochemical variation, residue mobility, and thermodynamic stability) performed at Invitae indicates that this missense variant is expected to disrupt CHD2 protein function with a positive predictive value of 95%. This variant disrupts the p.Trp1534 amino acid residue in CHD2. Other variant(s) that disrupt this residue have been determined to be pathogenic (PMID: 26795593). This suggests that this residue is clinically significant, and that variants that disrupt this residue are likely to be disease-causing. In summary, the currently available evidence indicates that the variant is pathogenic, but additional data are needed to prove that conclusively. Therefore, this variant has been classified as Likely Pathogenic.

Literature cited by the submitters: PubMed 26795593.

NM_001271.4(CHD2):c.4600T>C (p.Trp1534Arg)

Gene: CHD2 (chromodomain helicase DNA binding protein 2; plus strand). Cytogenetic location: 15q26.1.
Variant type: single nucleotide variant.
Coding change: c.4600T>C on transcript NM_001271.4 (MANE Select); coding-DNA position 4600, T replaced by C.
Protein change: p.Trp1534Arg; replaces tryptophan 1534 with arginine.
Molecular consequence: missense variant.
Genome position (GRCh38, 1-based): chr15:93,012,352, T>C. VCF-style: chr15-93012352-T-C. GRCh37 (hg19) VCF-style: chr15-93555582-T-C.
Other names: short protein forms W1534R.
Identifiers: ClinVar variation 2710257 (VCV002710257.3), dbSNP rs2505624851, ClinGen allele CA393904928.